The following is an entry in ClinVar:

NM_021076.4(NEFH):c.124G>A (p.Gly42Ser)

Gene: NEFH (neurofilament heavy chain; plus strand). Cytogenetic location: 22q12.2.
Variant type: single nucleotide variant.
Coding change: c.124G>A on transcript NM_021076.4 (MANE Select); coding-DNA position 124, G replaced by A.
Protein change: p.Gly42Ser; replaces glycine 42 with serine.
Molecular consequence: missense variant.
Genome position (GRCh38, 1-based): chr22:29,480,386, G>A. VCF-style: chr22-29480386-G-A. GRCh37 (hg19) VCF-style: chr22-29876375-G-A.
Other names: c.124G>A (NM_021076.3); short protein forms G42S.
Identifiers: ClinVar variation 1938890 (VCV001938890.6), dbSNP rs1463064081, ClinGen allele CA411121468.

ClinVar aggregate classification (germline): Uncertain significance. Review status: criteria provided, multiple submitters, no conflicts (2 of 4 stars). 2 submissions from 2 submitters: Uncertain significance (2). Last evaluated 2024-09-07.

Allele frequency attached by ClinVar (database versions not stated): TOPMed below 0.00001; gnomAD 0.00001; gnomAD exomes 0.00002.
gnomAD v4.1: 33 of 1,536,270 alleles (0.0021%); highest among the groups gnomAD compares: Non-Finnish European, 0.0026%; no homozygotes.

Submissions (2):

GeneDx
Classification: Uncertain significance. Last evaluated: 2024-09-07. Review status: criteria provided, single submitter. Criteria: GeneDx Variant Classification Process June 2021. Collection method: clinical testing. Allele origin: germline. Affected: yes.
Comment: Not observed at significant frequency in large population cohorts (gnomAD); In silico analysis indicates that this missense variant does not alter protein structure/function; Has not been previously published as pathogenic or benign to our knowledge

Labcorp Genetics (formerly Invitae), Labcorp
Classification: Uncertain significance. Last evaluated: 2024-04-15. Review status: criteria provided, single submitter. Criteria: Invitae Variant Classification Sherloc (09022015). Collection method: clinical testing. Allele origin: germline.
Comment: This sequence change replaces glycine, which is neutral and non-polar, with serine, which is neutral and polar, at codon 42 of the NEFH protein (p.Gly42Ser). The frequency data for this variant in the population databases is considered unreliable, as metrics indicate poor data quality at this position in the gnomAD database. This variant has not been reported in the literature in individuals affected with NEFH-related conditions. ClinVar contains an entry for this variant (Variation ID: 1938890). Advanced modeling of protein sequence and biophysical properties (such as structural, functional, and spatial information, amino acid conservation, physicochemical variation, residue mobility, and thermodynamic stability) performed at Invitae indicates that this missense variant is not expected to disrupt NEFH protein function with a negative predictive value of 95%. In summary, the available evidence is currently insufficient to determine the role of this variant in disease. Therefore, it has been classified as a Variant of Uncertain Significance.